The following is an entry in ClinVar:

ClinVar aggregate classification (germline): Uncertain significance (1 of 4 stars; one submission).

Allele frequency attached by ClinVar (database versions not stated): ExAC 0.00002; gnomAD 0.00002; gnomAD exomes 0.00002 and 0.00005; TOPMed 0.00002; ESP Exome Variant Server 0.00015.
gnomAD v4.1: 69 of 1,595,504 alleles (0.0043%); highest among the groups gnomAD compares: Non-Finnish European, 0.0054%; no homozygotes.

Submission:

Labcorp Genetics (formerly Invitae), Labcorp
Classification: Uncertain significance. Last evaluated: 2025-06-11. Review status: criteria provided, single submitter. Criteria: Invitae Variant Classification Sherloc (09022015). Collection method: clinical testing. Allele origin: germline.
Comment: This sequence change replaces valine, which is neutral and non-polar, with isoleucine, which is neutral and non-polar, at codon 134 of the SNRPB protein (p.Val134Ile). This variant is present in population databases (rs368499497, gnomAD 0.006%). This variant has not been reported in the literature in individuals affected with SNRPB-related conditions. ClinVar contains an entry for this variant (Variation ID: 1522644). An algorithm developed to predict the effect of missense changes on protein structure and function (PolyPhen-2) suggests that this variant is likely to be tolerated. In summary, the available evidence is currently insufficient to determine the role of this variant in disease. Therefore, it has been classified as a Variant of Uncertain Significance.

NM_003091.4(SNRPB):c.400G>A (p.Val134Ile)

Gene: SNRPB (small nuclear ribonucleoprotein polypeptides B and B1; minus strand). Cytogenetic location: 20p13.
Variant type: single nucleotide variant.
Coding change: c.400G>A on transcript NM_003091.4 (MANE Select); coding-DNA position 400, G replaced by A.
Protein change: p.Val134Ile; replaces valine 134 with isoleucine.
Molecular consequence: missense variant.
Genome position (GRCh38, 1-based): chr20:2,463,767, C>T on the plus strand (G>A on the coding strand, the complement: SNRPB is on the minus strand). VCF-style: chr20-2463767-C-T. GRCh37 (hg19) VCF-style: chr20-2444413-C-T.
Other names: c.400G>A, p.Val134Ile (NM_198216.2); short protein forms V134I.
Identifiers: ClinVar variation 1522644 (VCV001522644.6), dbSNP rs368499497, ClinGen allele CA9732456.
Genomic context (GRCh38, chr20:2,463,767, plus strand): 5'-TTAGCCACCAGGAGGTGGTACCCTTTCCCCAACTCCTCACCTGTTGGGATGGCCCGCCAA[C>T]CCCACGGACTGGCCCAGCAAGTCCTGCAGGAGCCTGGGGCATGGGAACCCCAGCTGGGAT-3'
Protein context (NP_003082.1, residues 124-144): PAGLAGPVRG[Val134Ile]GGPSQQVMTP